The following is an entry in ClinVar:

NM_000277.3(PAH):c.427G>A (p.Asp143Asn)

Gene: PAH (phenylalanine hydroxylase; minus strand). Cytogenetic location: 12q23.2.
Variant type: single nucleotide variant.
Coding change: c.427G>A on transcript NM_000277.3 (MANE Select); coding-DNA position 427, G replaced by A.
Protein change: p.Asp143Asn; replaces aspartic acid 143 with asparagine.
Molecular consequence: missense variant.
Genome position (GRCh38, 1-based): chr12:102,877,476, C>T on the plus strand (G>A on the coding strand, the complement: PAH is on the minus strand). VCF-style: chr12-102877476-C-T. GRCh37 (hg19) VCF-style: chr12-103271254-C-T.
Other names: c.427G>A, p.Asp143Asn (NM_001354304.2); short protein forms D143N.
Identifiers: ClinVar variation 4532923 (VCV004532923.1).

ClinVar aggregate classification (germline): Uncertain significance (1 of 4 stars; one submission).

gnomAD v4.1: 10 of 1,613,624 alleles (0.00062%); highest among the groups gnomAD compares: Non-Finnish European, 0.00085%; no homozygotes.

Submission:

Quest Diagnostics Nichols Institute San Juan Capistrano
Classification: Uncertain significance. Last evaluated: 2025-08-18. Review status: criteria provided, single submitter. Criteria: Quest Diagnostics criteria. Collection method: clinical testing. Allele origin: unknown.
Comment: The PAH c.427G>A (p.Asp143Asn) variant has not been reported in individuals with PAH-related conditions in the published literature. The frequency of this variant in the general population (Genome Aggregation Database) is uninformative in the assessment of its pathogenicity. Analysis of this variant using bioinformatics tools for the prediction of the effect of amino acid changes on protein structure and function yielded predictions that this variant is benign. Based on the available information, we are unable to determine the clinical significance of this variant.